The following is an entry in ClinVar:

NM_000049.4(ASPA):c.429T>G (p.Ile143Met)

Genes: ASPA (aspartoacylase; plus strand), SPATA22 (spermatogenesis associated 22; minus strand). Cytogenetic location: 17p13.2.
Variant type: single nucleotide variant.
Coding change: c.429T>G on transcript NM_000049.4 (MANE Select); coding-DNA position 429, T replaced by G.
Protein change: p.Ile143Met; replaces isoleucine 143 with methionine.
Molecular consequence: missense variant. On other transcripts: intron variant (2).
Genome position (GRCh38, 1-based): chr17:3,481,795, T>G. VCF-style: chr17-3481795-T-G. GRCh37 (hg19) VCF-style: chr17-3385089-T-G.
Other names: c.429T>G, p.Ile143Met (NM_001128085.1); c.-73-12397A>C (NM_001321336.2, NM_001321337.2); short protein forms I143M.
Identifiers: ClinVar variation 4535774 (VCV004535774.1).

ClinVar aggregate classification (germline): Uncertain significance (1 of 4 stars; one submission).

Submission:

Women's Health and Genetics/Laboratory Corporation of America, LabCorp
Classification: Uncertain significance. Last evaluated: 2025-09-04. Review status: criteria provided, single submitter. Criteria: LabCorp Variant Classification Summary - May 2015. Collection method: clinical testing. Allele origin: germline.
Comment: Variant summary: ASPA c.429T>G (p.Ile143Met) results in a conservative amino acid change in the encoded protein sequence. Algorithms developed to predict the effect of missense changes on protein structure and function are either unavailable or do not agree on the potential impact of this missense change. The variant was absent in 236462 control chromosomes. To our knowledge, no occurrence of c.429T>G in individuals affected with ASPA-related conditions and no experimental evidence demonstrating its impact on protein function have been reported. At least 2 different variants affecting the same codon have been determined to be likely pathogenic/pathogenic by our lab (c.428T>C, p.Ile143Thr and c.427A>T, p.Ile143Phe), supporting the critical relevance of codon 143 to ASPA protein function. No submitters have cited clinical-significance assessments for this variant to ClinVar. Based on the evidence outlined above, the variant was classified as VUS-possibly pathogenic.